The following is an entry in ClinVar:

ClinVar aggregate classification (germline): Uncertain significance (1 of 4 stars; one submission).

gnomAD v4.1: 1 of 1,613,538 alleles (0.000062%); highest among the groups gnomAD compares: African/African-American, 0.0013%; no homozygotes.

Submission:

Labcorp Genetics (formerly Invitae), Labcorp
Classification: Uncertain significance. Last evaluated: 2024-08-10. Review status: criteria provided, single submitter. Criteria: Invitae Variant Classification Sherloc (09022015). Collection method: clinical testing. Allele origin: germline.
Comment: This sequence change replaces threonine, which is neutral and polar, with methionine, which is neutral and non-polar, at codon 134 of the DLX3 protein (p.Thr134Met). The frequency data for this variant in the population databases is considered unreliable, as metrics indicate poor data quality at this position in the gnomAD database. This variant has not been reported in the literature in individuals affected with DLX3-related conditions. Advanced modeling of protein sequence and biophysical properties (such as structural, functional, and spatial information, amino acid conservation, physicochemical variation, residue mobility, and thermodynamic stability) performed at Invitae indicates that this missense variant is expected to disrupt DLX3 protein function with a positive predictive value of 80%. In summary, the available evidence is currently insufficient to determine the role of this variant in disease. Therefore, it has been classified as a Variant of Uncertain Significance.

NM_005220.3(DLX3):c.401C>T (p.Thr134Met)

Gene: DLX3 (distal-less homeobox 3; minus strand). Cytogenetic location: 17q21.33.
Variant type: single nucleotide variant.
Coding change: c.401C>T on transcript NM_005220.3 (MANE Select); coding-DNA position 401, C replaced by T.
Protein change: p.Thr134Met; replaces threonine 134 with methionine.
Molecular consequence: missense variant.
Genome position (GRCh38, 1-based): chr17:49,993,515, G>A on the plus strand (C>T on the coding strand, the complement: DLX3 is on the minus strand). VCF-style: chr17-49993515-G-A. GRCh37 (hg19) VCF-style: chr17-48070879-G-A.
Other names: short protein forms T134M.
Identifiers: ClinVar variation 3661906 (VCV003661906.2).